The following is an entry in ClinVar:

ClinVar aggregate classification (germline): Uncertain significance (1 of 4 stars; one submission).

Conditions:
Gastrointestinal stromal tumor. Also called: Gastrointestinal stromal tumor, somatic; Gastrointestinal stroma tumor. Identifiers: Orphanet 44890, MedGen C0238198, MeSH D046152, MONDO:0011719, OMIM 606764, HP:0100723.

Allele frequency attached by ClinVar (database versions not stated): TOPMed below 0.00001; gnomAD 0.00001.

Submission:

Labcorp Genetics (formerly Invitae), Labcorp
Classification: Uncertain significance for Gastrointestinal stromal tumor. Last evaluated: 2024-12-09. Review status: criteria provided, single submitter. Criteria: Invitae Variant Classification Sherloc (09022015). Collection method: clinical testing. Allele origin: germline.
Comment: This sequence change replaces serine, which is neutral and polar, with cysteine, which is neutral and slightly polar, at codon 785 of the KIT protein (p.Ser785Cys). This variant is not present in population databases (gnomAD no frequency). This variant has not been reported in the literature in individuals affected with KIT-related conditions. ClinVar contains an entry for this variant (Variation ID: 1034938). An algorithm developed to predict the effect of missense changes on protein structure and function (PolyPhen-2) suggests that this variant is likely to be disruptive. In summary, the available evidence is currently insufficient to determine the role of this variant in disease. Therefore, it has been classified as a Variant of Uncertain Significance.

NM_000222.3(KIT):c.2354C>G (p.Ser785Cys)

Gene: KIT (KIT proto-oncogene, receptor tyrosine kinase; plus strand). Cytogenetic location: 4q12.
Variant type: single nucleotide variant.
Coding change: c.2354C>G on transcript NM_000222.3 (MANE Select); coding-DNA position 2354, C replaced by G.
Protein change: p.Ser785Cys; replaces serine 785 with cysteine.
Molecular consequence: missense variant.
Genome position (GRCh38, 1-based): chr4:54,731,991, C>G. VCF-style: chr4-54731991-C-G. GRCh37 (hg19) VCF-style: chr4-55598157-C-G.
Other names: c.2342C>G, p.Ser781Cys (NM_001093772.2, NM_001385292.1); c.2357C>G, p.Ser786Cys (NM_001385284.1); c.2351C>G, p.Ser784Cys (NM_001385285.1); c.2339C>G, p.Ser780Cys (NM_001385286.1); c.2345C>G, p.Ser782Cys (NM_001385288.1); c.2354C>G, p.Ser785Cys (NM_001385290.1); short protein forms S781C, S784C, S786C, S780C, S782C, S785C.
Identifiers: ClinVar variation 1034938 (VCV001034938.8), dbSNP rs1722629110, ClinGen allele CA356911164.